The following is an entry in ClinVar:

NM_018979.4(WNK1):c.5258A>G (p.Lys1753Arg)

Gene: WNK1 (WNK lysine deficient protein kinase 1; plus strand). Cytogenetic location: 12p13.33.
Variant type: single nucleotide variant.
Coding change: c.5258A>G on transcript NM_018979.4 (MANE Select); coding-DNA position 5258, A replaced by G.
Protein change: p.Lys1753Arg; replaces lysine 1753 with arginine.
Molecular consequence: missense variant.
Genome position (GRCh38, 1-based): chr12:886,062, A>G. VCF-style: chr12-886062-A-G. GRCh37 (hg19) VCF-style: chr12-995228-A-G.
Other names: c.6038A>G, p.Lys2013Arg (NM_001184985.2); c.4517A>G, p.Lys1506Arg (NM_014823.3); c.6014A>G, p.Lys2005Arg (NM_213655.5); short protein forms K1753R, K2005R, K1506R, K2013R.
Identifiers: ClinVar variation 310833 (VCV000310833.15), dbSNP rs752078094, ClinGen allele CA6383097.
Genomic context (GRCh38, chr12:886,062, plus strand): 5'-AAGTTTCTACCCCAGTCAGCACTACTACATCAGGAGTGAAACCTGGAACTGCTCCCTCCA[A>G]GCCACCTCTAACTAAGGCTCCGGTAAAATTATTGTTATAAAATAATTAGATAAATATGAT-3'
Protein context (NP_061852.3, residues 1743-1763): SGVKPGTAPS[Lys1753Arg]PPLTKAPVLP

ClinVar aggregate classification (germline): Conflicting classifications of pathogenicity. Review status: criteria provided, conflicting classifications (1 of 4 stars). 6 submissions from 6 submitters: Uncertain significance (5); Likely benign (1). Last evaluated 2026-02-28.

Conditions:
WNK1-related disorder. Also called: WNK1-related condition.
Inborn genetic diseases. Identifiers: MedGen C0950123, MeSH D030342.
Pseudohypoaldosteronism type 2C (PHA2C). Also called: Pseudohypoaldosteronism Type IIC. Identifiers: Orphanet 757, Orphanet 88940, MedGen C1840391, MONDO:0013778, OMIM 614492.
Neuropathy, hereditary sensory and autonomic, type 2A (HSAN2A). Also called: ACROOSTEOLYSIS, GIACCAI TYPE; ACROOSTEOLYSIS, NEUROGENIC; NEUROPATHY, CONGENITAL SENSORY; NEUROPATHY, HEREDITARY SENSORY RADICULAR, AUTOSOMAL RECESSIVE; NEUROPATHY, HEREDITARY SENSORY, TYPE IIA; NEUROPATHY, PROGRESSIVE SENSORY, OF CHILDREN. Identifiers: Orphanet 970, MedGen C2752089, MONDO:0024309, OMIM 201300.

Allele frequency attached by ClinVar (database versions not stated): gnomAD 0.00001; TOPMed 0.00001; gnomAD exomes 0.00002 and 0.00004; ExAC 0.00003.
gnomAD v4.1: 54 of 1,606,628 alleles (0.0034%); highest among the groups gnomAD compares: Middle Eastern, 0.017%; no homozygotes.

Submissions (6):

PreventionGenetics, part of Exact Sciences
Classification: Uncertain significance for WNK1-related condition. Last evaluated: 2026-02-28. Review status: criteria provided, single submitter. Criteria: ACMG Guidelines, 2015. Collection method: clinical testing. Allele origin: germline.
Comment: The WNK1 c.5258A>G variant is predicted to result in the amino acid substitution p.Lys1753Arg. To our knowledge, this variant has not been reported in the literature. This variant is reported in 0.0036% of alleles in individuals of European (Non-Finnish) descent in gnomAD. At this time, the clinical significance of this variant is uncertain due to the absence of conclusive functional and genetic evidence.

Labcorp Genetics (formerly Invitae), Labcorp
Classification: Uncertain significance for Neuropathy, hereditary sensory and autonomic, type 2A; Pseudohypoaldosteronism type 2C. Last evaluated: 2024-04-09. Review status: criteria provided, single submitter. Criteria: Invitae Variant Classification Sherloc (09022015). Collection method: clinical testing. Allele origin: germline.
Comment: This sequence change replaces lysine, which is basic and polar, with arginine, which is basic and polar, at codon 2005 of the WNK1 protein (p.Lys2005Arg). This variant is present in population databases (rs752078094, gnomAD 0.004%). This variant has not been reported in the literature in individuals affected with WNK1-related conditions. ClinVar contains an entry for this variant (Variation ID: 310833). Advanced modeling of protein sequence and biophysical properties (such as structural, functional, and spatial information, amino acid conservation, physicochemical variation, residue mobility, and thermodynamic stability) performed at Invitae indicates that this missense variant is not expected to disrupt WNK1 protein function with a negative predictive value of 95%. In summary, the available evidence is currently insufficient to determine the role of this variant in disease. Therefore, it has been classified as a Variant of Uncertain Significance.

Department of Pathology and Laboratory Medicine, Sinai Health System
Classification: Uncertain significance for Neuropathy, hereditary sensory and autonomic, type 2A; Pseudohypoaldosteronism type 2C. Last evaluated: 2021-09-08. Review status: criteria provided, single submitter. Criteria: ACMG Guidelines, 2015. Collection method: research. Allele origin: germline.

GeneDx
Classification: Uncertain significance. Last evaluated: 2021-04-26. Review status: criteria provided, single submitter. Criteria: GeneDx Variant Classification Process June 2021. Collection method: clinical testing. Allele origin: germline. Affected: yes.
Comment: Not observed at a significant frequency in large population cohorts (Lek et al., 2016); In silico analysis supports that this missense variant does not alter protein structure/function; Has not been previously published as pathogenic or benign to our knowledge

Ambry Genetics
Classification: Uncertain significance for Inborn genetic diseases. Last evaluated: 2020-09-09. Review status: criteria provided, single submitter. Criteria: Ambry Variant Classification Scheme 2023. Collection method: clinical testing. Allele origin: germline.
Comment: The p.K2005R variant (also known as c.6014A>G), located in coding exon 19 of the WNK1 gene, results from an A to G substitution at nucleotide position 6014. The lysine at codon 2005 is replaced by arginine, an amino acid with highly similar properties. This amino acid position is highly conserved in available vertebrate species. In addition, the in silico prediction for this alteration is inconclusive. Since supporting evidence is limited at this time, the clinical significance of this alteration remains unclear.

Illumina Laboratory Services, Illumina
Classification: Likely benign for Pseudohypoaldosteronism type 2C. Last evaluated: 2018-01-12. Review status: criteria provided, single submitter. Criteria: ICSL Variant Classification Criteria 13 December 2019. Collection method: clinical testing. Allele origin: germline.
Comment: This variant was observed in the ICSL laboratory as part of a predisposition screen in an ostensibly healthy population. It had not been previously curated by ICSL or reported in the Human Gene Mutation Database (HGMD: prior to June 1st, 2018), and was therefore a candidate for classification through an automated scoring system. Utilizing variant allele frequency, disease prevalence and penetrance estimates, and inheritance mode, an automated score was calculated to assess if this variant is too frequent to cause the disease. Based on the score and internal cut-off values, a variant classified as likely benign is not then subjected to further curation. The score for this variant resulted in a classification of likely benign for this disease.